The following is an entry in ClinVar:

NM_005530.3(IDH3A):c.568A>C (p.Asn190His)

Gene: IDH3A (isocitrate dehydrogenase (NAD(+)) 3 catalytic subunit alpha; plus strand). Cytogenetic location: 15q25.1.
Variant type: single nucleotide variant.
Coding change: c.568A>C on transcript NM_005530.3 (MANE Select); coding-DNA position 568, A replaced by C.
Protein change: p.Asn190His; replaces asparagine 190 with histidine.
Molecular consequence: missense variant.
Genome position (GRCh38, 1-based): chr15:78,162,324, A>C. VCF-style: chr15-78162324-A-C. GRCh37 (hg19) VCF-style: chr15-78454666-A-C.
Other names: short protein forms N190H.
Identifiers: ClinVar variation 1519664 (VCV001519664.6), dbSNP rs541376515, ClinGen allele CA7680604.

ClinVar aggregate classification (germline): Uncertain significance (1 of 4 stars; one submission).

Allele frequency attached by ClinVar (database versions not stated): gnomAD exomes below 0.00001 and 0.00001; ExAC 0.00001; gnomAD 0.00001; TOPMed 0.00001; 1000 Genomes Project 30x 0.00016; 1000 Genomes Project 0.00020.
gnomAD v4.1: 6 of 1,614,160 alleles (0.00037%); highest among the groups gnomAD compares: Admixed American, 0.0017%; no homozygotes.

Submission:

Labcorp Genetics (formerly Invitae), Labcorp
Classification: Uncertain significance. Last evaluated: 2022-02-09. Review status: criteria provided, single submitter. Criteria: Invitae Variant Classification Sherloc (09022015). Collection method: clinical testing. Allele origin: germline.
Comment: Algorithms developed to predict the effect of missense changes on protein structure and function are either unavailable or do not agree on the potential impact of this missense change (SIFT: "Tolerated"; PolyPhen-2: "Probably Damaging"; Align-GVGD: "Class C0"). In summary, the available evidence is currently insufficient to determine the role of this variant in disease. Therefore, it has been classified as a Variant of Uncertain Significance. This variant has not been reported in the literature in individuals affected with IDH3A-related conditions. This variant is present in population databases (rs541376515, gnomAD 0.007%). This sequence change replaces asparagine, which is neutral and polar, with histidine, which is basic and polar, at codon 190 of the IDH3A protein (p.Asn190His).